The following is an entry in ClinVar:

ClinVar aggregate classification (germline): Uncertain significance (1 of 4 stars; one submission).

Conditions:
Feingold syndrome type 1 (FGLDS1). Also called: MICROCEPHALY, MENTAL RETARDATION, AND TRACHEOESOPHAGEAL FISTULA SYNDROME; MICROCEPHALY-OCULO-DIGITO-ESOPHAGEAL-DUODENAL SYNDROME; OCULODIGITOESOPHAGODUODENAL SYNDROME; ODED SYNDROME; MICROCEPHALY AND DIGITAL ABNORMALITIES WITH NORMAL INTELLIGENCE. Identifiers: Orphanet 1305, Orphanet 391641, MedGen C4551774, MONDO:0008115, OMIM 164280.

Submission:

Institute of Human Genetics, University of Leipzig Medical Center
Classification: Uncertain significance for Feingold syndrome type 1. Last evaluated: 2024-05-31. Review status: criteria provided, single submitter. Criteria: ACMG Guidelines, 2015. Collection method: clinical testing. Allele origin: unknown. Inheritance: Autosomal dominant inheritance. Affected: yes.
Comment: Criteria applied: PM1,PM2_SUP,PP3

NM_005378.6(MYCN):c.1249G>T (p.Ala417Ser)

Gene: MYCN (MYCN proto-oncogene, bHLH transcription factor; plus strand). Cytogenetic location: 2p24.3.
Variant type: single nucleotide variant.
Coding change: c.1249G>T on transcript NM_005378.6 (MANE Select); coding-DNA position 1249, G replaced by T.
Protein change: p.Ala417Ser; replaces alanine 417 with serine.
Molecular consequence: missense variant. On other transcripts: 3 prime UTR variant (1).
Genome position (GRCh38, 1-based): chr2:15,945,951, G>T. VCF-style: chr2-15945951-G-T. GRCh37 (hg19) VCF-style: chr2-16086073-G-T.
Other names: c.1249G>T, p.Ala417Ser (NM_001293228.2); c.616G>T, p.Ala206Ser (NM_001293231.2); c.*1184G>T (NM_001293233.2); short protein forms A206S, A417S.
Identifiers: ClinVar variation 3358963 (VCV003358963.2).